The following continues an entry in ClinVar:

NM_006767.4(LZTR1):c.1943-256C>T

Gene: LZTR1. ClinVar aggregate classification (germline): Pathogenic. Pathogenic (1).

Submissions 8 to 19 of 19:

Ambry Genetics
Classification: Pathogenic for Cardiovascular phenotype; Hereditary cancer-predisposing syndrome. Last evaluated: 2024-12-06. Review status: criteria provided, single submitter. Criteria: Ambry Variant Classification Scheme 2023. Collection method: clinical testing. Allele origin: germline. Not counted in ClinVar's aggregate classification.
Comment: The c.1943-256C>T intronic pathogenic mutation results from a C to T substitution 256 nucleotides upstream from coding exon 17 in the LZTR1 gene. This alteration has been reported in multiple individuals diagnosed with autosomal recessive Noonan syndrome in trans with other mutations or in the homozygous state and was shown to segregate with disease in several families (Johnston JJ et al. Genet Med. 2018 Oct;20(10):1175-1185). This nucleotide position is not well conserved in available vertebrate species. In silico splice site analysis predicts that this alteration may result in the creation or strengthening of a novel splice donor site. RNA studies demonstrated that this alteration results in the retention of a 117-base pair alternate exon that lies within intron 16 (Johnston JJ et al. Genet Med. 2018 Oct;20(10):1175-1185; Hanses U et al. Circulation, 2020 Sep;142:1059-1076; Ambry internal data). Based on the supporting evidence, this variant is pathogenic for an increased risk of LZTR1-related schwannomatosis (SWN) and would be expected to cause autosomal recessive Noonan syndrome when present along with a second pathogenic or likely pathogenic variant on the other allele.

New York Genome Center
Classification: Likely pathogenic for Noonan syndrome 2. Last evaluated: 2024-05-31. Review status: criteria provided, single submitter. Criteria: NYGC Assertion Criteria 2020. Collection method: clinical testing. Allele origin: inherited. Affected: yes. Observed: 1 variant allele, 1 compound heterozygote. Not counted in ClinVar's aggregate classification.
Comment: The inherited c.1943-256C>T variant has previously been reported in homozygous state in two affected individuals in one consanguineous family, compound heterozygous state in trans with a pathogenic loss of function variant in five individuals from three families, and compound heterozygous in trans with a variant of uncertain significance in one individual [PMID:29469822, 32623905]. This variant segregated with phenotype in multiple affected and unaffected individuals in five families segregating for autosomal recessive Noonan syndrome [PMID:29469822, 32623905]. This variant has been deposited in ClinVar [ClinVarID:522800] as Pathogenic 7 times and a Variant of Uncertain Significance one time by multiple submitters with affected status provided. The c.1943-256C>T variant is observed on 53 alleles (~0.008% minor allele frequency with 0 homozygotes) in gnomAD v4.1.0 and 37 alleles (0.008% allele frequency, 0 homozygotes) in the All ofUs database, suggesting it is not a common benign variant in the populations represented in those databases. The c.1943-256C>T variant is located within a deep intronic region of intron 16 of this 21-exon gene. Interrogation of the RNA of individuals carrying the c.1943-256C>T variant demonstrated significant leaky splicing and that a significant proportion of RNA transcribed from this allele includes a 117bp exon that is not normally expressed as part of the LZTR1 mRNA transcript [PMID:29469822, 32623905]. This alternate exon preserves the reading frame of the protein and so inclusion of this exon does not result in nonsense mediated RNAdecay, however it does contain a stop codon so is expected to generate significantly truncated protein. Based on available evidence, this heterozygous inherited c.1943-256C>T variant identified in the LZTR1 is classified as Likely Pathogenic.

Undiagnosed Diseases Network, NIH
Classification: Likely pathogenic for Noonan syndrome 2. Last evaluated: 2024-04-13. Review status: criteria provided, single submitter. Criteria: ACMG Guidelines, 2015. Collection method: clinical testing. Allele origin: maternal. Inheritance: Autosomal recessive inheritance. Affected: yes. Observed: 2 variant alleles, 2 compound heterozygotes. Clinical features observed: Superior pectus carinatum (HP:0000917), Short stature (HP:0004322), Short philtrum (HP:0000322), Pulmonic stenosis (HP:0001642), Pulmonary artery dilatation (HP:0004927), Prolonged neonatal jaundice (HP:0006579), Premature birth following premature rupture of fetal membranes (HP:0005100), Premature birth (HP:0001622), Posteriorly rotated ears (HP:0000358), Poor suck (HP:0002033), Polyhydramnios (HP:0001561), Neonatal respiratory distress (HP:0002643), and 20 more. Study: Undiagnosed Diseases Network (NIH), UDN. Not counted in ClinVar's aggregate classification.
Comment: This family has been reported in PMID:29469822.

Baylor Genetics
Classification: Pathogenic for LZTR1-related schwannomatosis. Last evaluated: 2023-12-21. Review status: criteria provided, single submitter. Criteria: ACMG Guidelines, 2015. Collection method: clinical testing. Allele origin: unknown. Not counted in ClinVar's aggregate classification.

Broad Center for Mendelian Genomics, Broad Institute of MIT and Harvard
Classification: Pathogenic for Noonan syndrome 2. Last evaluated: 2023-05-02. Review status: criteria provided, single submitter. Criteria: ACMG Guidelines, 2015. Collection method: curation. Allele origin: germline. Inheritance: Autosomal recessive inheritance. Not counted in ClinVar's aggregate classification.
Comment: The heterozygous c.1943-256C>T variant in LZTR1 was identified by our study in the compound heterozygous state, along with another likely pathogenic variant, in 2 siblings with Noonan syndrome 2. The variant has been reported in 8 individuals of unknown ethnicity with Noonan syndrome 2 (PMID: 29469822, 32623905) and segregated with disease in 4 affected relatives from 3 families (PMID: 29469822, 32623905). This variant has been identified in 0.019% (3/15796) of African chromosomes by the Genome Aggregation Database (gnomAD; dbSNP ID: rs761685529). Although the c.1943-256C>T variant has been seen in the general population in a heterozygous state, its frequency is not high enough to rule out a pathogenic role. This variant has also been reported in ClinVar (Variation ID: 522800) as pathogenic by OMIM and GeneDx, and as having unknown significance by the Undiagnosed Diseases Network, NIH. Of the 10 affected individuals, 2 of those were homozygotes, 5 were compound heterozygotes that carried a reported pathogenic/likely pathogenic variants in trans, and 3 were compound heterozygotes that carried a variants of uncertain significance in trans, which increases the likelihood that the c.1943-256C>T variant is pathogenic (VariationID: 522799, 372684; PMID: 29469822, 32623905). In vitro functional studies provide some evidence that the variant may impact protein function (PMID: 29469822, 32623905). However, these types of assays may not accurately represent biological function. Computational prediction tools and conservation analyses do not provide strong support for or against an impact to the protein. In summary, this variant meets criteria to be classified as pathogenic for autosomal recessive Noonan syndrome 2. ACMG/AMP Criteria applied: PM3_strong, PP1_strong, PS3_moderate (Richards 2015).

Women's Health and Genetics/Laboratory Corporation of America, LabCorp
Classification: Pathogenic for Noonan syndrome 2. Last evaluated: 2022-11-11. Review status: criteria provided, single submitter. Criteria: LabCorp Variant Classification Summary - May 2015. Collection method: clinical testing. Allele origin: germline. Not counted in ClinVar's aggregate classification.
Comment: Variant summary: LZTR1 c.1943-256C>T is located within intron 16 at a position not widely known to affect splicing. However, several computational tools predict a significant impact on normal splicing: Four predict the variant strengthens a cryptic 5' donor site. At least two publications report experimental evidence that this variant indeed affects mRNA splicing, resulting in the inclusion of the additional 117 bp cryptic exon between exons 16 and 17 (e.g. Johnston_2018, Hanses_2020). The variant allele was found at a frequency of 4.1e-05 in 147296 control chromosomes (gnomAD). c.1943-256C>T has been reported in the literature as a biallelic genotype in multiple individuals affected with Noonan Syndrome 2 from at least five different families in which the variant was found to segregate with the disease in an autosomal recessive pattern of inheritance (e.g. Johnston_2018, Hanses_2020). These data indicate that the variant is very likely to be associated with disease. Four submitters have provided clinical-significance assessments for this variant to ClinVar after 2014. The majority classified the variant as pathogenic (n=3) and one classified it as VUS. Based on the evidence outlined above, the variant was classified as pathogenic.

GeneDx
Classification: Pathogenic. Last evaluated: 2022-02-11. Review status: criteria provided, single submitter. Criteria: GeneDx Variant Classification Process June 2021. Collection method: clinical testing. Allele origin: germline. Affected: yes. Not counted in ClinVar's aggregate classification.
Comment: Non-canonical splice site variant demonstrated to result in loss-of-function; inclusion of 117bp from an alternate exon lead to a truncated protein, p.(T648fs*36), that was subject to nonsense mediated decay (Johnston et al., 2018; Hanses et al. 2020); This variant is associated with the following publications: (PMID: 29469822, 32623905, 34747535)

AURAGEN, Plan France Médecine Génomique
Classification: Pathogenic for Multiple congenital anomalies/dysmorphic syndrome-intellectual disability. Last evaluated: 2022-01-20. Review status: criteria provided, single submitter. Criteria: PFMG2025 (Lancet Reg Health Eur. 2025). Collection method: clinical testing. Allele origin: germline. Affected: yes. Not counted in ClinVar's aggregate classification.

Department of Pathology and Laboratory Medicine, Sinai Health System
Classification: Likely pathogenic for Noonan syndrome. Review status: criteria provided, single submitter. Criteria: ACMG Guidelines, 2015. Collection method: clinical testing. Allele origin: germline. Not counted in ClinVar's aggregate classification.

Juno Genomics, Hangzhou Juno Genomics, Inc
Classification: Pathogenic for Noonan syndrome 2. Review status: criteria provided, single submitter. Criteria: ACMG Guidelines, 2015. Collection method: clinical testing. Allele origin: germline. Not counted in ClinVar's aggregate classification.
Comment: Absent from controls (or at extremely low frequency if recessive) in Genome Aggregation Database.;Well-established in vitro or in vivo functional studies supportive of a damaging effect on the gene or gene product.;For recessive disorders, detected in trans with a pathogenic variant.;Patient's phenotype or family history is highly specific for a disease with a single genetic etiology.

Rady Children's Institute for Genomic Medicine, Rady Children's Hospital San Diego
Classification: Pathogenic for Noonan syndrome. Review status: criteria provided, single submitter. Criteria: ACMG Guidelines, 2015. Collection method: clinical testing. Allele origin: germline. Affected: yes. Not counted in ClinVar's aggregate classification.
Comment: This variant has been previously reported as a homozygous and compound heterozygous change in individuals with Noonan syndrome and shown to moderately segregate with disease in two families (PMID: 29469822). Heterozygous carrier parents demonstrated mild or no clinical manifestations (PMID: 29469822). Splicing studies using the RNA from a patient's lymphoblasts showed an abnormal product retaining a 117bp sequence from intron 16 (PMID: 29469822). It is present in the heterozygous state in the gnomAD population database at a frequency of 0.006% (11/178598) and is absent in the homozygous state, and thus is presumed to be rare. Based on the available evidence, the c.1943-256C>T variant is classified as Pathogenic.

OMIM
Classification: Pathogenic for NOONAN SYNDROME 2. Last evaluated: 2018-12-17. Review status: no assertion criteria provided. Collection method: literature only. Allele origin: germline. Not counted in ClinVar's aggregate classification.

Literature cited by the submitters: PubMed 29469822 (cited by 10 submitters); PubMed 38333672 (cited by Victorian Clinical Genetics Services, Murdoch Childrens Research Institute); PubMed 32623905 (cited by 7 submitters); PubMed 39144424 (cited by Variantyx, Inc.); PubMed 33001864 (cited by Variantyx, Inc.); Hamosh, A. Personal Communication. 2018. Baltimore, Md. (cited by OMIM).